The following is an entry in ClinVar:

ClinVar aggregate classification (germline): Benign/Likely benign. Review status: criteria provided, multiple submitters, no conflicts (2 of 4 stars). 3 submissions from 3 submitters: Benign (1); Likely benign (2). Last evaluated 2025-08-20.

Conditions:
Lynch syndrome 4 (LYNCH4). Also called: Colorectal cancer, hereditary nonpolyposis, type 4; Hereditary non-polyposis colorectal cancer, type 4. Identifiers: Orphanet 144, MedGen C1838333, MONDO:0013699, OMIM 614337. Disease mechanism: loss of function.
Hereditary nonpolyposis colorectal neoplasms. Identifiers: MedGen C0009405, MeSH D003123.
Hereditary cancer-predisposing syndrome. Also called: Hereditary Cancer Syndrome; Hereditary neoplastic syndrome; Neoplastic Syndromes, Hereditary; Tumor predisposition. Identifiers: Orphanet 140162, MedGen C0027672, MeSH D009386, MONDO:0015356.

Submissions (3):

Ambry Genetics
Classification: Likely benign for Hereditary cancer-predisposing syndrome. Last evaluated: 2025-08-20. Review status: criteria provided, single submitter. Criteria: Ambry Variant Classification Scheme 2023. Collection method: clinical testing. Allele origin: germline.

Myriad Genetics, Inc.
Classification: Benign for Lynch syndrome 4. Last evaluated: 2025-01-30. Review status: criteria provided, single submitter. Criteria: Myriad Autosomal Dominant, Autosomal Recessive and X-Linked Classification Criteria (2023). Collection method: clinical testing. Allele origin: unknown.
Comment: This variant is considered benign. This variant is a silent/synonymous amino acid change and it is not expected to impact splicing.

Labcorp Genetics (formerly Invitae), Labcorp
Classification: Likely benign for Hereditary nonpolyposis colorectal neoplasms. Last evaluated: 2024-08-21. Review status: criteria provided, single submitter. Criteria: Invitae Variant Classification Sherloc (09022015). Collection method: clinical testing. Allele origin: germline.

NM_000535.7(PMS2):c.1174T>C (p.Leu392=)

Gene: PMS2 (PMS1 homolog 2, mismatch repair system component; minus strand). Cytogenetic location: 7p22.1.
Variant type: single nucleotide variant.
Coding change: c.1174T>C on transcript NM_000535.7 (MANE Select); coding-DNA position 1174, T replaced by C.
Protein change: p.Leu392=; no amino-acid change (leucine 392 retained).
Molecular consequence: synonymous variant. On other transcripts: non-coding transcript variant (1), intron variant (1).
Genome position (GRCh38, 1-based): chr7:5,987,591, A>G on the plus strand (T>C on the coding strand, the complement: PMS2 is on the minus strand). VCF-style: chr7-5987591-A-G. GRCh37 (hg19) VCF-style: chr7-6027222-A-G.
Other names: c.804-4600T>C (NM_001406912.1); c.865T>C, p.Leu289= (NM_001322015.2, NM_001406875.1, NM_001406877.1 and 5 more transcripts); c.1360T>C, p.Leu454= (NM_001406866.1); c.1198T>C, p.Leu400= (NM_001406868.1); c.1066T>C, p.Leu356= (NM_001406869.1); c.1018T>C, p.Leu340= (NM_001406870.1, NM_001322006.2); c.1174T>C, p.Leu392= (NM_001406871.1, NM_001406872.1, NM_001322014.2); c.976T>C, p.Leu326= (NM_001406873.1); and 13 more.
Identifiers: ClinVar variation 3669219 (VCV003669219.4).
Genomic context (GRCh38, chr7:5,987,591, plus strand): 5'-TTTCTTCTCCAGTCCTTAATGAAGGGGATTGATCCTGCTTTTCTACCATGGGCTTTTCCA[A>G]ATCCGCTGCATGCATTTTTATTAAGTTACCTAAGCAAACGTGGACGGAGAAGAGGGTCAG-3'
Protein context (NP_000526.2, residues 382-402): GNLIKMHAAD[Leu392=]EKPMVEKQDQ